The following is an entry in ClinVar:

ClinVar aggregate classification (germline): Uncertain significance (1 of 4 stars; one submission).

Conditions:
POLD1-related polyposis and colorectal cancer syndrome (CRCS10). Also called: Colorectal cancer 10; COLORECTAL CANCER, SUSCEPTIBILITY TO, ON CHROMOSOME 19q; Colorectal cancer, susceptibility to, 10. Identifiers: Orphanet 220460, MedGen C2675481, MONDO:0012953, OMIM 612591.

Submission:

Labcorp Genetics (formerly Invitae), Labcorp
Classification: Uncertain significance for POLD1-related polyposis and colorectal cancer syndrome. Last evaluated: 2025-08-17. Review status: criteria provided, single submitter. Criteria: Invitae Variant Classification Sherloc (09022015). Collection method: clinical testing. Allele origin: germline.
Comment: This sequence change replaces valine, which is neutral and non-polar, with methionine, which is neutral and non-polar, at codon 647 of the POLD1 protein (p.Val647Met). This variant is not present in population databases (gnomAD no frequency). This variant has not been reported in the literature in individuals affected with POLD1-related conditions. ClinVar contains an entry for this variant (Variation ID: 948234). Invitae Evidence Modeling of protein sequence and biophysical properties (such as structural, functional, and spatial information, amino acid conservation, physicochemical variation, residue mobility, and thermodynamic stability) indicates that this missense variant is not expected to disrupt POLD1 protein function with a negative predictive value of 80%. In summary, the available evidence is currently insufficient to determine the role of this variant in disease. Therefore, it has been classified as a Variant of Uncertain Significance.

NM_002691.4(POLD1):c.1939G>A (p.Val647Met)

Gene: POLD1 (DNA polymerase delta 1, catalytic subunit; plus strand). Cytogenetic location: 19q13.33.
Variant type: single nucleotide variant.
Coding change: c.1939G>A on transcript NM_002691.4 (MANE Select); coding-DNA position 1939, G replaced by A.
Protein change: p.Val647Met; replaces valine 647 with methionine.
Molecular consequence: missense variant. On other transcripts: non-coding transcript variant (1).
Genome position (GRCh38, 1-based): chr19:50,409,168, G>A. VCF-style: chr19-50409168-G-A. GRCh37 (hg19) VCF-style: chr19-50912425-G-A.
Other names: c.1939G>A, p.Val647Met (NM_001256849.1); c.2017G>A, p.Val673Met (NM_001308632.1); short protein forms V673M, V647M.
Identifiers: ClinVar variation 948234 (VCV000948234.9), dbSNP rs2039005608, ClinGen allele CA406982281.